The following is an entry in ClinVar:

ClinVar aggregate classification (germline): Uncertain significance. Review status: criteria provided, multiple submitters, no conflicts (2 of 4 stars). 2 submissions from 2 submitters: Uncertain significance (2). Last evaluated 2023-08-17.

Conditions:
Hereditary cancer-predisposing syndrome. Also called: Hereditary Cancer Syndrome; Hereditary neoplastic syndrome; Tumor predisposition; Neoplastic Syndromes, Hereditary. Identifiers: Orphanet 140162, MedGen C0027672, MeSH D009386, MONDO:0015356.

Allele frequency attached by ClinVar (database versions not stated): ExAC 0.00001.
gnomAD v4.1: 1 of 1,613,654 alleles (0.000062%); highest among the groups gnomAD compares: Non-Finnish European, 0.000085%; no homozygotes.

Submissions (2):

Labcorp Genetics (formerly Invitae), Labcorp
Classification: Uncertain significance. Last evaluated: 2023-08-17. Review status: criteria provided, single submitter. Criteria: Invitae Variant Classification Sherloc (09022015). Collection method: clinical testing. Allele origin: germline.
Comment: Algorithms developed to predict the effect of missense changes on protein structure and function output the following: SIFT: "Not Available"; PolyPhen-2: "Benign"; Align-GVGD: "Not Available". The valine amino acid residue is found in multiple mammalian species, which suggests that this missense change does not adversely affect protein function. ClinVar contains an entry for this variant (Variation ID: 843598). This variant has not been reported in the literature in individuals affected with MSH3-related conditions. This variant is present in population databases (rs761101728, gnomAD 0.0009%). This sequence change replaces isoleucine, which is neutral and non-polar, with valine, which is neutral and non-polar, at codon 656 of the MSH3 protein (p.Ile656Val). In summary, the available evidence is currently insufficient to determine the role of this variant in disease. Therefore, it has been classified as a Variant of Uncertain Significance.

Ambry Genetics
Classification: Uncertain significance for Hereditary cancer-predisposing syndrome. Last evaluated: 2022-12-26. Review status: criteria provided, single submitter. Criteria: Ambry Variant Classification Scheme 2023. Collection method: clinical testing. Allele origin: germline.
Comment: The p.I656V variant (also known as c.1966A>G), located in coding exon 14 of the MSH3 gene, results from an A to G substitution at nucleotide position 1966. The isoleucine at codon 656 is replaced by valine, an amino acid with highly similar properties. This amino acid position is conserved. In addition, this alteration is predicted to be tolerated by in silico analysis. Since supporting evidence is limited at this time, the clinical significance of this alteration remains unclear.

NM_002439.5(MSH3):c.1966A>G (p.Ile656Val)

Gene: MSH3 (mutS homolog 3; plus strand). Cytogenetic location: 5q14.1.
Variant type: single nucleotide variant.
Coding change: c.1966A>G on transcript NM_002439.5 (MANE Select); coding-DNA position 1966, A replaced by G.
Protein change: p.Ile656Val; replaces isoleucine 656 with valine.
Molecular consequence: missense variant.
Genome position (GRCh38, 1-based): chr5:80,768,002, A>G. VCF-style: chr5-80768002-A-G. GRCh37 (hg19) VCF-style: chr5-80063821-A-G.
Other names: c.1966A>G (NM_002439.3); short protein forms I656V.
Identifiers: ClinVar variation 843598 (VCV000843598.7), dbSNP rs761101728, ClinGen allele CA3328105.